The following is an entry in ClinVar:

ClinVar aggregate classification (germline): Likely benign. Review status: criteria provided, multiple submitters, no conflicts (2 of 4 stars). 2 submissions from 2 submitters: Likely benign (2). Last evaluated 2025-05-15.

Allele frequency attached by ClinVar (database versions not stated): gnomAD 0.00001; TOPMed 0.00001.
gnomAD v4.1: 1 of 152,206 alleles (0.00066%); highest among the groups gnomAD compares: Admixed American, 0.0065%; no homozygotes.

Submissions (2):

Women's Health and Genetics/Laboratory Corporation of America, LabCorp
Classification: Likely benign. Last evaluated: 2025-05-15. Review status: criteria provided, single submitter. Criteria: LabCorp Variant Classification Summary - May 2015. Collection method: clinical testing. Allele origin: germline.
Comment: Variant summary: HBB c.316-162T>C is located at a position not widely known to affect splicing. Consensus agreement among computation tools predict no significant impact on normal splicing. However, these predictions have yet to be confirmed by functional studies. The variant was absent in 31406 control chromosomes. The available data on variant occurrences in the general population are insufficient to allow any conclusion about variant significance. To our knowledge, no occurrence of c.316-162T>C in individuals affected with Hemoglobinopathy and no experimental evidence demonstrating its impact on protein function have been reported. ClinVar contains an entry for this variant (Variation ID: 1611236). Based on the evidence outlined above, the variant was classified as likely benign.

Labcorp Genetics (formerly Invitae), Labcorp
Classification: Likely benign. Last evaluated: 2022-09-15. Review status: criteria provided, single submitter. Criteria: Invitae Variant Classification Sherloc (09022015). Collection method: clinical testing. Allele origin: germline.

NM_000518.5(HBB):c.316-162T>C

Genes: HBB (hemoglobin subunit beta; minus strand), LOC107133510 (origin of replication at HBB; plus strand), LOC110006319 (beta-globin gene 3' regulatory region; plus strand). Cytogenetic location: 11p15.4.
Variant type: single nucleotide variant.
Coding change: c.316-162T>C on transcript NM_000518.5 (MANE Select); 162 bases into the intron before coding-DNA position 316, T replaced by C.
Molecular consequence: intron variant.
Genome position (GRCh38, 1-based): chr11:5,225,888, A>G on the plus strand (T>C on the coding strand, the complement: HBB is on the minus strand). VCF-style: chr11-5225888-A-G. GRCh37 (hg19) VCF-style: chr11-5247118-A-G.
Identifiers: ClinVar variation 1611236 (VCV001611236.9), dbSNP rs1022352464, ClinGen allele CA217113004.